The following is an entry in ClinVar:

ClinVar aggregate classification (germline): Likely benign. Review status: criteria provided, multiple submitters, no conflicts (2 of 4 stars). 2 submissions from 2 submitters: Likely benign (2). Last evaluated 2025-10-19.

Allele frequency attached by ClinVar (database versions not stated): gnomAD exomes 0.00001 and 0.00002; TOPMed 0.00001; ExAC 0.00002.
gnomAD v4.1: 21 of 1,614,110 alleles (0.0013%); highest among the groups gnomAD compares: Admixed American, 0.0017%; no homozygotes.

Submissions (2):

Mayo Clinic Laboratories, Mayo Clinic
Classification: Likely benign. Last evaluated: 2025-10-19. Review status: criteria provided, single submitter. Criteria: ACMG Guidelines, 2015. Collection method: clinical testing. Allele origin: germline. Observed: 1 variant allele.
Comment: BP4, BP7

Labcorp Genetics (formerly Invitae), Labcorp
Classification: Likely benign. Last evaluated: 2025-02-18. Review status: criteria provided, single submitter. Criteria: Invitae Variant Classification Sherloc (09022015). Collection method: clinical testing. Allele origin: germline.

NM_002972.4(SBF1):c.1258C>T (p.Leu420=)

Gene: SBF1 (SET binding factor 1; minus strand). Cytogenetic location: 22q13.33.
Variant type: single nucleotide variant.
Coding change: c.1258C>T on transcript NM_002972.4 (MANE Select); coding-DNA position 1258, C replaced by T.
Protein change: p.Leu420=; no amino-acid change (leucine 420 retained).
Molecular consequence: synonymous variant.
Genome position (GRCh38, 1-based): chr22:50,465,075, G>A on the plus strand (C>T on the coding strand, the complement: SBF1 is on the minus strand). VCF-style: chr22-50465075-G-A. GRCh37 (hg19) VCF-style: chr22-50903504-G-A.
Other names: p.Leu420=; c.1261C>T, p.Leu421= (NM_001365819.1).
Identifiers: ClinVar variation 1541319 (VCV001541319.9), dbSNP rs754341048, ClinGen allele CA10317756.